The following is an entry in ClinVar:

NM_000719.7(CACNA1C):c.1414G>A (p.Glu472Lys)

Gene: CACNA1C (calcium voltage-gated channel subunit alpha1 C; plus strand). Cytogenetic location: 12p13.33.
Variant type: single nucleotide variant.
Coding change: c.1414G>A on transcript NM_000719.7 (MANE Select); coding-DNA position 1414, G replaced by A.
Protein change: p.Glu472Lys; replaces glutamic acid 472 with lysine.
Molecular consequence: missense variant.
Genome position (GRCh38, 1-based): chr12:2,549,966, G>A. VCF-style: chr12-2549966-G-A. GRCh37 (hg19) VCF-style: chr12-2659132-G-A.
Other names: c.1414G>A, p.Glu472Lys (NM_001129829.2, NM_001129830.3, NM_001129831.2 and 18 more transcripts); c.1405G>A, p.Glu469Lys (NM_001129844.2); short protein forms E472K, E469K.
Identifiers: ClinVar variation 589746 (VCV000589746.16), dbSNP rs770480382, ClinGen allele CA6388729.
Genomic context (GRCh38, chr12:2,549,966, plus strand): 5'-CTCAATGCCTGGCTCTGCTTCCCTTTGACTCTTGCAGTGAGCATGCCCACCAGTGAGACC[G>A]AGTCCGTCAACACCGAAAACGTGGCTGGAGGTGACATCGAGGGAGAAAACTGCGGGGCCA-3'
Protein context (NP_000710.5, residues 462-482): RNMSMPTSET[Glu472Lys]SVNTENVAGG

ClinVar aggregate classification (germline): Uncertain significance. Review status: criteria provided, multiple submitters, no conflicts (2 of 4 stars). 4 submissions from 4 submitters: Uncertain significance (3). 1 of the submissions does not count toward it. Last evaluated 2025-05-25.

Conditions:
Cardiovascular phenotype. Identifiers: MedGen CN230736.
Long QT syndrome (LQTS). Identifiers: MedGen C0023976, MeSH D008133, MONDO:0002442. Disease mechanism: loss of function. Inheritance: Various modes of inheritance.
CACNA1C-related disorder. Also called: CACNA1C-related condition; CACNA1C-related disorders. Identifiers: MedGen CN381092, MONDO:0700321.

Allele frequency attached by ClinVar (database versions not stated): ExAC 0.00002; gnomAD 0.00001; gnomAD exomes below 0.00001; TOPMed 0.00001.
gnomAD v4.1: 6 of 1,605,860 alleles (0.00037%); highest among the groups gnomAD compares: Admixed American, 0.0034%; no homozygotes.

Submissions (4):

Labcorp Genetics (formerly Invitae), Labcorp
Classification: Uncertain significance for Long QT syndrome. Last evaluated: 2025-05-25. Review status: criteria provided, single submitter. Criteria: Invitae Variant Classification Sherloc (09022015). Collection method: clinical testing. Allele origin: germline.
Comment: This sequence change replaces glutamic acid, which is acidic and polar, with lysine, which is basic and polar, at codon 472 of the CACNA1C protein (p.Glu472Lys). The frequency data for this variant in the population databases is considered unreliable, as metrics indicate poor data quality at this position in the gnomAD database. This variant has not been reported in the literature in individuals affected with CACNA1C-related conditions. ClinVar contains an entry for this variant (Variation ID: 589746). Invitae Evidence Modeling of protein sequence and biophysical properties (such as structural, functional, and spatial information, amino acid conservation, physicochemical variation, residue mobility, and thermodynamic stability) indicates that this missense variant is not expected to disrupt CACNA1C protein function with a negative predictive value of 80%. In summary, the available evidence is currently insufficient to determine the role of this variant in disease. Therefore, it has been classified as a Variant of Uncertain Significance.

Ambry Genetics
Classification: Uncertain significance for Cardiovascular phenotype. Last evaluated: 2024-06-04. Review status: criteria provided, single submitter. Criteria: Ambry Variant Classification Scheme 2023. Collection method: clinical testing. Allele origin: germline.
Comment: The p.E472K variant (also known as c.1414G>A), located in coding exon 10 of the CACNA1C gene, results from a G to A substitution at nucleotide position 1414. The glutamic acid at codon 472 is replaced by lysine, an amino acid with similar properties. This amino acid position is highly conserved in available vertebrate species. In addition, this alteration is predicted to be deleterious by in silico analysis. Since supporting evidence is limited at this time, the clinical significance of this alteration remains unclear.

Blueprint Genetics
Classification: Uncertain significance. Last evaluated: 2020-05-04. Review status: criteria provided, single submitter. Criteria: ACMG Guidelines, 2015. Collection method: clinical testing. Allele origin: germline.

PreventionGenetics, part of Exact Sciences
Classification: Uncertain significance for CACNA1C-related condition. Last evaluated: 2024-09-10. Review status: no assertion criteria provided. Collection method: clinical testing. Allele origin: germline. Not counted in ClinVar's aggregate classification.
Comment: The CACNA1C c.1414G>A variant is predicted to result in the amino acid substitution p.Glu472Lys. To our knowledge, this variant has not been reported in the literature. This variant is reported in 0.0035% of alleles in individuals of South Asian descent in gnomAD. At this time, the clinical significance of this variant is uncertain due to the absence of conclusive functional and genetic evidence.